The following is an entry in ClinVar:

ClinVar aggregate classification (germline): Uncertain significance (1 of 4 stars; one submission).

Submission:

Ambry Genetics
Classification: Uncertain significance. Last evaluated: 2025-02-09. Review status: criteria provided, single submitter. Criteria: Ambry Variant Classification Scheme 2023. Collection method: clinical testing. Allele origin: germline.
Comment: The p.R63C variant (also known as c.187C>T), located in coding exon 1 of the PALLD gene, results from a C to T substitution at nucleotide position 187. The arginine at codon 63 is replaced by cysteine, an amino acid with highly dissimilar properties. This amino acid position is conserved. In addition, this alteration is predicted to be tolerated by in silico analysis. Based on the available evidence, the clinical significance of this variant remains unclear.

NM_001166108.2(PALLD):c.1965-12844C>T

Gene: PALLD (palladin, cytoskeletal associated protein; plus strand). Cytogenetic location: 4q32.3.
Variant type: single nucleotide variant.
Coding change: c.1965-12844C>T on transcript NM_001166108.2 (MANE Select); 12844 bases into the intron before coding-DNA position 1965, C replaced by T.
Molecular consequence: intron variant. On other transcripts: missense variant (1).
Genome position (GRCh38, 1-based): chr4:168,878,078, C>T. VCF-style: chr4-168878078-C-T. GRCh37 (hg19) VCF-style: chr4-169799229-C-T.
Other names: c.187C>T, p.Arg63Cys (NM_001166110.2); c.1965-12844C>T (NM_016081.4); c.819-12844C>T (NM_001166109.2); c.-157-12844C>T (NM_001367570.1, NM_001367568.1, NM_001367567.1 and 1 more transcripts); short protein forms R63C.
Identifiers: ClinVar variation 3885333 (VCV003885333.1).
Genomic context (GRCh38, chr4:168,878,078, plus strand): 5'-TCCAGCCCCAGCTCGTCCAGCCTCCCGTCGCCCATGTCCCCGACGCCGAGGCAGTTCGGC[C>T]GCGCCCCCGTGCCGCCCTTCGCGCAGCCCTTCGGCGCTGAGCCCGAGGCCCCGTGGGGCT-3'